The following is an entry in ClinVar:

NM_006767.4(LZTR1):c.2412dup (p.Lys805fs)

Gene: LZTR1 (leucine zipper like post translational regulator 1; plus strand). Cytogenetic location: 22q11.21.
Variant type: Duplication.
Coding change: c.2412dup on transcript NM_006767.4 (MANE Select); coding-DNA position 2412, one base duplicated (C; older notation c.2412dupC).
Protein change: p.Lys805fs; shifts the reading frame from lysine 805.
Molecular consequence: frameshift variant.
Genome position (GRCh38, 1-based): chr22:20,997,237, C duplicated; the last of 2 consecutive C bases (chr22:20,997,236-20,997,237); duplicating either gives the same sequence. VCF-style (leftmost placement, unchanged base first): chr22-20997235-T-TC. GRCh37 (hg19) VCF-style: chr22-21351524-T-TC.
Other names: c.2412dup (NM_006767.3); short protein forms K805fs.
Identifiers: ClinVar variation 1176008 (VCV001176008.42), dbSNP rs1924895839, ClinGen allele CA2396643843.
Genomic context (GRCh38, chr22:20,997,235, plus strand): 5'-CACCATGGCCCTTAGGTGGATCTGGTCCCATCTCCTTCCGGCCTGCTTGCCTTACAGGTC[T>TC]CCAAGTTGCCCACCCTGCGGTCGCTGAGCCAGCAGCTGCTGCTGGACATCATAGACTCCC-3'

ClinVar aggregate classification (germline): Pathogenic/Likely pathogenic. Review status: criteria provided, multiple submitters, no conflicts (2 of 4 stars). 3 submissions from 3 submitters: Pathogenic (1); Likely pathogenic (2). Last evaluated 2025-07-30.

Submissions (3):

GeneDx
Classification: Likely pathogenic. Last evaluated: 2025-07-30. Review status: criteria provided, single submitter. Criteria: GeneDx Variant Classification Process June 2021. Collection method: clinical testing. Allele origin: germline.
Comment: Frameshift variant predicted to result in abnormal protein length as the last 36 amino acid(s) are replaced with 45 different amino acid(s), and other similar variants have been reported in HGMD; Not observed at significant frequency in large population cohorts (gnomAD); Identified in an individual with a neurodevelopmental disorder (PMID: 28191889); This variant is associated with the following publications: (PMID: 28191889)

Labcorp Genetics (formerly Invitae), Labcorp
Classification: Pathogenic. Last evaluated: 2025-04-09. Review status: criteria provided, single submitter. Criteria: Invitae Variant Classification Sherloc (09022015). Collection method: clinical testing. Allele origin: germline.
Comment: This sequence change results in a frameshift in the LZTR1 gene (p.Lys805Glnfs*46). While this is not anticipated to result in nonsense mediated decay, it is expected to disrupt the last 36 amino acid(s) of the LZTR1 protein and extend the protein by 9 additional amino acid residues. This variant is not present in population databases (gnomAD no frequency). This variant has not been reported in the literature in individuals affected with LZTR1-related conditions. ClinVar contains an entry for this variant (Variation ID: 1176008). This variant disrupts a region of the LZTR1 protein in which other variant(s) (p.Leu806Trp) have been determined to be pathogenic (internal data). This suggests that this is a clinically significant region of the protein, and that variants that disrupt it are likely to be disease-causing. For these reasons, this variant has been classified as Pathogenic.

CeGaT Center for Human Genetics Tuebingen
Classification: Likely pathogenic. Last evaluated: 2021-06-01. Review status: criteria provided, single submitter. Criteria: CeGaT Center For Human Genetics Tuebingen Variant Classification Criteria Version 2. Collection method: clinical testing. Allele origin: germline. Affected: yes. Observed: 1 variant allele.